The following is an entry in ClinVar:

NM_000121.4(EPOR):c.*670G>A

Gene: EPOR (erythropoietin receptor; minus strand). Cytogenetic location: 19p13.2.
Variant type: single nucleotide variant.
Coding change: c.*670G>A on transcript NM_000121.4 (MANE Select); 670 bases downstream of the stop codon, G replaced by A.
Molecular consequence: 3 prime UTR variant. On other transcripts: non-coding transcript variant (1).
Genome position (GRCh38, 1-based): chr19:11,377,314, C>T on the plus strand (G>A on the coding strand, the complement: EPOR is on the minus strand). VCF-style: chr19-11377314-C-T. GRCh37 (hg19) VCF-style: chr19-11487990-C-T.
Identifiers: ClinVar variation 328131 (VCV000328131.5), dbSNP rs771124995, ClinGen allele CA9210432.

ClinVar aggregate classification (germline): Benign (1 of 4 stars; one submission).

Conditions:
Primary familial polycythemia due to EPO receptor mutation. Also called: ERYTHROCYTOSIS, SOMATIC; POLYCYTHEMIA, PRIMARY FAMILIAL AND CONGENITAL; Primary Familial Congenital Polycythemia; Erythrocytosis, familial, 1. Identifiers: Orphanet 90042, MedGen C4551637, MONDO:0007572, OMIM 133100.

Allele frequency attached by ClinVar (database versions not stated): gnomAD 0.00015 and 0.00018; TOPMed 0.00017; gnomAD exomes 0.00021 and 0.00041; ExAC 0.00121.
gnomAD v4.1: 100 of 453,936 alleles (0.022%); highest among the groups gnomAD compares: Non-Finnish European, 0.004%; no homozygotes.

Submission:

Illumina Laboratory Services, Illumina
Classification: Benign for Primary familial polycythemia due to EPO receptor mutation. Last evaluated: 2018-01-12. Review status: criteria provided, single submitter. Criteria: ICSL Variant Classification Criteria 13 December 2019. Collection method: clinical testing. Allele origin: germline.
Comment: This variant was observed in the ICSL laboratory as part of a predisposition screen in an ostensibly healthy population. It had not been previously curated by ICSL or reported in the Human Gene Mutation Database (HGMD: prior to June 1st, 2018), and was therefore a candidate for classification through an automated scoring system. Utilizing variant allele frequency, disease prevalence and penetrance estimates, and inheritance mode, an automated score was calculated to assess if this variant is too frequent to cause the disease. Based on the score and internal cut-off values, a variant classified as benign is not then subjected to further curation. The score for this variant resulted in a classification of benign for this disease.